The following is an entry in ClinVar:

ClinVar aggregate classification (germline): Uncertain significance (1 of 4 stars; one submission).

Conditions:
Bloom syndrome (BLM). Also called: Bloom-Torre-Machacek syndrome. Identifiers: Orphanet 125, MedGen C0005859, MONDO:0008876, OMIM 210900.

gnomAD v4.1: 1 of 1,614,150 alleles (0.000062%); highest among the groups gnomAD compares: Non-Finnish European, 0.000085%; no homozygotes.

Submission:

Labcorp Genetics (formerly Invitae), Labcorp
Classification: Uncertain significance for Bloom syndrome. Last evaluated: 2021-07-01. Review status: criteria provided, single submitter. Criteria: Invitae Variant Classification Sherloc (09022015). Collection method: clinical testing. Allele origin: germline.
Comment: In summary, the available evidence is currently insufficient to determine the role of this variant in disease. Therefore, it has been classified as a Variant of Uncertain Significance. Algorithms developed to predict the effect of missense changes on protein structure and function (SIFT, PolyPhen-2, Align-GVGD) all suggest that this variant is likely to be tolerated. This variant has not been reported in the literature in individuals affected with BLM-related conditions. This variant is not present in population databases (ExAC no frequency). This sequence change replaces valine with leucine at codon 1205 of the BLM protein (p.Val1205Leu). The valine residue is moderately conserved and there is a small physicochemical difference between valine and leucine.

NM_000057.4(BLM):c.3613G>C (p.Val1205Leu)

Gene: BLM (BLM RecQ like helicase; plus strand). Cytogenetic location: 15q26.1.
Variant type: single nucleotide variant.
Coding change: c.3613G>C on transcript NM_000057.4 (MANE Select); coding-DNA position 3613, G replaced by C.
Protein change: p.Val1205Leu; replaces valine 1205 with leucine.
Molecular consequence: missense variant. On other transcripts: intron variant (1).
Genome position (GRCh38, 1-based): chr15:90,804,221, G>C. VCF-style: chr15-90804221-G-C. GRCh37 (hg19) VCF-style: chr15-91347451-G-C.
Other names: c.3613G>C, p.Val1205Leu (NM_001287246.2); c.2488G>C, p.Val830Leu (NM_001287248.2); c.3359-4916G>C (NM_001287247.2); short protein forms V830L, V1205L.
Identifiers: ClinVar variation 1444103 (VCV001444103.8), dbSNP rs28385141, ClinGen allele CA393848003.
Genomic context (GRCh38, chr15:90,804,221, plus strand): 5'-ATAAAGGTAGACTTTATGGAAACAGAAAATTCCAGCAGTGTGAAAAAACAAAAAGCGTTA[G>C]TAGCAAAAGTGTCTCAGAGGGAAGAGATGGTTAAAAAATGTCTTGGAGAACTTACAGAAG-3'
Protein context (NP_000048.1, residues 1195-1215): SSSVKKQKAL[Val1205Leu]AKVSQREEMV